The following is an entry in ClinVar:

ClinVar aggregate classification (germline): Uncertain significance (1 of 4 stars; one submission).

Conditions:
Early-onset myopathy with fatal cardiomyopathy (CMYO5). Also called: Salih Myopathy; CONGENITAL MYOPATHY 5 WITH CARDIOMYOPATHY. Identifiers: Orphanet 289377, MedGen C2673677, MONDO:0012714, OMIM 611705. Disease mechanism: loss of function.

Submission:

Department of Molecular Genetics, Istishari Arab Hospital
Classification: Uncertain significance for Early-onset myopathy with fatal cardiomyopathy. Last evaluated: 2026-07-19. Review status: criteria provided, single submitter. Criteria: ACMG Guidelines, 2015. Collection method: clinical testing. Allele origin: germline. Inheritance: Autosomal recessive inheritance. Affected: yes.
Comment: The TTN c.34291+3A>G variant is located adjacent to the canonical donor splice site and is predicted to alter normal RNA splicing. In silico splice prediction tools support a deleterious effect on splicing (SpliceAI score: 0.48). The variant is absent from the gnomAD v4.1 database and, to the best of our knowledge, has not been reported in affected individuals or described in the medical literature. It is classified as a variant of uncertain significance based on ACMG/AMP/ClinGen SVI guidelines.

NM_001267550.2(TTN):c.34291+3A>G

Gene: TTN (titin; minus strand). Cytogenetic location: 2q31.2.
Variant type: single nucleotide variant.
Coding change: c.34291+3A>G on transcript NM_001267550.2 (MANE Select); 3 bases into the intron after coding-DNA position 34291, A replaced by G.
Molecular consequence: intron variant.
Genome position (GRCh38, 1-based): chr2:178,677,618, T>C on the plus strand (A>G on the coding strand, the complement: TTN is on the minus strand). VCF-style: chr2-178677618-T-C. GRCh37 (hg19) VCF-style: chr2-179542345-T-C.
Other names: c.13283-35301A>G (NM_003319.4); c.13859-35301A>G (NM_133437.4); c.13658-35301A>G (NM_133432.3); c.30559+3A>G (NM_133378.4); c.33340+3A>G (NM_001256850.1).
Identifiers: ClinVar variation 4879331 (VCV004879331.1).